The following is an entry in ClinVar:

NM_000135.4(FANCA):c.2487C>T (p.Ser829=)

Gene: FANCA (FA complementation group A; minus strand). Cytogenetic location: 16q24.3.
Variant type: single nucleotide variant.
Coding change: c.2487C>T on transcript NM_000135.4 (MANE Select); coding-DNA position 2487, C replaced by T.
Protein change: p.Ser829=; no amino-acid change (serine 829 retained).
Molecular consequence: synonymous variant.
Genome position (GRCh38, 1-based): chr16:89,769,854, G>A on the plus strand (C>T on the coding strand, the complement: FANCA is on the minus strand). VCF-style: chr16-89769854-G-A. GRCh37 (hg19) VCF-style: chr16-89836262-G-A.
Other names: c.2487C>T, p.Ser829= (NM_001286167.3).
Identifiers: ClinVar variation 704354 (VCV000704354.13), dbSNP rs776013293, ClinGen allele CA8251715.

ClinVar aggregate classification (germline): Likely benign. Review status: criteria provided, multiple submitters, no conflicts (2 of 4 stars). 3 submissions from 3 submitters: Likely benign (2). 1 of the submissions does not count toward it. Last evaluated 2025-05-12.

Conditions:
FANCA-related disorder. Also called: FANCA-related condition.
Inborn genetic diseases. Identifiers: MedGen C0950123, MeSH D030342.
Fanconi anemia (FA). Also called: Fanconi's anemia. Identifiers: Orphanet 84, MedGen C0015625, MeSH D005199, MONDO:0019391.

Allele frequency attached by ClinVar (database versions not stated): TOPMed below 0.00001; gnomAD exomes 0.00001; ExAC 0.00002.
gnomAD v4.1: 3 of 1,614,120 alleles (0.00019%); highest among the groups gnomAD compares: Admixed American, 0.005%; no homozygotes.

Submissions (3):

Labcorp Genetics (formerly Invitae), Labcorp
Classification: Likely benign for Fanconi anemia. Last evaluated: 2025-05-12. Review status: criteria provided, single submitter. Criteria: Invitae Variant Classification Sherloc (09022015). Collection method: clinical testing. Allele origin: germline.

Ambry Genetics
Classification: Likely benign for Inborn genetic diseases. Last evaluated: 2025-01-13. Review status: criteria provided, single submitter. Criteria: Ambry Variant Classification Scheme 2023. Collection method: clinical testing. Allele origin: germline.

PreventionGenetics, part of Exact Sciences
Classification: Likely benign for FANCA-related condition. Last evaluated: 2023-01-27. Review status: no assertion criteria provided. Collection method: clinical testing. Allele origin: germline. Not counted in ClinVar's aggregate classification.
Comment: This variant is classified as likely benign based on ACMG/AMP sequence variant interpretation guidelines (Richards et al. 2015 PMID: 25741868, with internal and published modifications).